The following is an entry in ClinVar:

NM_001287.6(CLCN7):c.1330G>T (p.Gly444Cys)

Gene: CLCN7 (Cl-/H+ antiporter 7; minus strand). Cytogenetic location: 16p13.3.
Variant type: single nucleotide variant.
Coding change: c.1330G>T on transcript NM_001287.6 (MANE Select); coding-DNA position 1330, G replaced by T.
Protein change: p.Gly444Cys; replaces glycine 444 with cysteine.
Molecular consequence: missense variant.
Genome position (GRCh38, 1-based): chr16:1,452,778, C>A on the plus strand (G>T on the coding strand, the complement: CLCN7 is on the minus strand). VCF-style: chr16-1452778-C-A. GRCh37 (hg19) VCF-style: chr16-1502779-C-A.
Other names: c.1258G>T, p.Gly420Cys (NM_001114331.3); c.1330G>T (NM_001287.4); short protein forms G444C, G420C.
Identifiers: ClinVar variation 1407036 (VCV001407036.8), dbSNP rs754968460, ClinGen allele CA7810323.

ClinVar aggregate classification (germline): Uncertain significance. Review status: criteria provided, multiple submitters, no conflicts (2 of 4 stars). 3 submissions from 3 submitters: Uncertain significance (3). Last evaluated 2025-04-23.

Conditions:
Inborn genetic diseases. Identifiers: MedGen C0950123, MeSH D030342.

Allele frequency attached by ClinVar (database versions not stated): gnomAD exomes 0.00002; ExAC 0.00004.
gnomAD v4.1: 90 of 1,604,872 alleles (0.0056%); highest among the groups gnomAD compares: Non-Finnish European, 0.0075%; no homozygotes.

Submissions (3):

Labcorp Genetics (formerly Invitae), Labcorp
Classification: Uncertain significance. Last evaluated: 2025-04-23. Review status: criteria provided, single submitter. Criteria: Invitae Variant Classification Sherloc (09022015). Collection method: clinical testing. Allele origin: germline.
Comment: This sequence change replaces glycine, which is neutral and non-polar, with cysteine, which is neutral and slightly polar, at codon 444 of the CLCN7 protein (p.Gly444Cys). The frequency data for this variant in the population databases is considered unreliable, as metrics indicate poor data quality at this position in the gnomAD database. This variant has not been reported in the literature in individuals affected with CLCN7-related conditions. ClinVar contains an entry for this variant (Variation ID: 1407036). Invitae Evidence Modeling of protein sequence and biophysical properties (such as structural, functional, and spatial information, amino acid conservation, physicochemical variation, residue mobility, and thermodynamic stability) indicates that this missense variant is not expected to disrupt CLCN7 protein function with a negative predictive value of 95%. In summary, the available evidence is currently insufficient to determine the role of this variant in disease. Therefore, it has been classified as a Variant of Uncertain Significance.

Ambry Genetics
Classification: Uncertain significance for Inborn genetic diseases. Last evaluated: 2025-04-11. Review status: criteria provided, single submitter. Criteria: Ambry Variant Classification Scheme 2023. Collection method: clinical testing. Allele origin: germline.

Blueprint Genetics
Classification: Uncertain significance. Last evaluated: 2024-10-21. Review status: criteria provided, single submitter. Criteria: ACMG Guidelines, 2015. Collection method: clinical testing. Allele origin: germline.